The following is an entry in ClinVar:

NM_002335.4(LRP5):c.3237-1G>C

Gene: LRP5 (LDL receptor related protein 5; plus strand). Cytogenetic location: 11q13.2.
Variant type: single nucleotide variant.
Coding change: c.3237-1G>C on transcript NM_002335.4 (MANE Select); the canonical splice acceptor site of the intron before coding-DNA position 3237, G replaced by C.
Molecular consequence: splice acceptor variant.
Genome position (GRCh38, 1-based): chr11:68,425,101, G>C. VCF-style: chr11-68425101-G-C. GRCh37 (hg19) VCF-style: chr11-68192569-G-C.
Other names: c.1494-1G>C (NM_001291902.2).
Identifiers: ClinVar variation 3663974 (VCV003663974.2).

ClinVar aggregate classification (germline): Likely pathogenic (1 of 4 stars; one submission).

Submission:

Labcorp Genetics (formerly Invitae), Labcorp
Classification: Likely pathogenic. Last evaluated: 2024-08-29. Review status: criteria provided, single submitter. Criteria: Invitae Variant Classification Sherloc (09022015). Collection method: clinical testing. Allele origin: germline.
Comment: This sequence change affects an acceptor splice site in intron 14 of the LRP5 gene. It is expected to disrupt RNA splicing. Variants that disrupt the donor or acceptor splice site typically lead to a loss of protein function (PMID: 16199547), and loss-of-function variants in LRP5 are known to be pathogenic (PMID: 11719191, 16252235, 25711638). This variant is not present in population databases (gnomAD no frequency). This variant has not been reported in the literature in individuals affected with LRP5-related conditions. Algorithms developed to predict the effect of sequence changes on RNA splicing suggest that this variant may disrupt the consensus splice site. In summary, the currently available evidence indicates that the variant is pathogenic, but additional data are needed to prove that conclusively. Therefore, this variant has been classified as Likely Pathogenic.

Literature cited by the submitters: PubMed 16199547; PubMed 11719191; PubMed 16252235; PubMed 25711638.